The following is an entry in ClinVar:

NM_001440.4(EXTL3):c.1811G>A (p.Trp604Ter)

Gene: EXTL3 (exostosin like glycosyltransferase 3; plus strand). Cytogenetic location: 8p21.1.
Variant type: single nucleotide variant.
Coding change: c.1811G>A on transcript NM_001440.4 (MANE Select); coding-DNA position 1811, G replaced by A.
Protein change: p.Trp604Ter; replaces tryptophan 604 with a stop codon.
Molecular consequence: nonsense.
Genome position (GRCh38, 1-based): chr8:28,717,870, G>A. VCF-style: chr8-28717870-G-A. GRCh37 (hg19) VCF-style: chr8-28575387-G-A.
Other names: short protein forms W604*.
Identifiers: ClinVar variation 2027431 (VCV002027431.3), dbSNP rs2486631777, ClinGen allele CA370860853.

ClinVar aggregate classification (germline): Uncertain significance (1 of 4 stars; one submission).

Submission:

Labcorp Genetics (formerly Invitae), Labcorp
Classification: Uncertain significance. Last evaluated: 2022-08-27. Review status: criteria provided, single submitter. Criteria: Invitae Variant Classification Sherloc (09022015). Collection method: clinical testing. Allele origin: germline.
Comment: This variant is not present in population databases (gnomAD no frequency). This sequence change creates a premature translational stop signal (p.Trp604*) in the EXTL3 gene. It is expected to result in an absent or disrupted protein product. However, the current clinical and genetic evidence is not sufficient to establish whether loss-of-function variants in EXTL3 cause disease. This variant has not been reported in the literature in individuals affected with EXTL3-related conditions. In summary, the available evidence is currently insufficient to determine the role of this variant in disease. Therefore, it has been classified as a Variant of Uncertain Significance.